The following is an entry in ClinVar:

ClinVar aggregate classification (germline): Conflicting classifications of pathogenicity. Review status: criteria provided, conflicting classifications (1 of 4 stars). 14 submissions from 14 submitters: Uncertain significance (12); VUS-high (1); Likely benign (1). Last evaluated 2026-02-20.

Conditions:
Desmin-related myofibrillar myopathy (MFM1). Also called: Desminopathy; Myofibrillar myopathy 1; Desmin related myopathy (former name); Desmin storage myopathy (former name); MYOFIBRILLAR MYOPATHY WITH ARRHYTHMOGENIC RIGHT VENTRICULAR CARDIOMYOPATHY; DESMIN-RELATED MYOPATHY WITH ARRHYTHMOGENIC RIGHT VENTRICULAR CARDIOMYOPATHY. Identifiers: Orphanet 363543, Orphanet 98909, MedGen C1832370, MONDO:0011076, OMIM 601419.
Dilated cardiomyopathy 1I (CMD1I). Identifiers: Orphanet 154, MedGen C1858154, MONDO:0011482, OMIM 604765.
DES-related disorder. Also called: DES-related condition.
Cardiovascular phenotype. Identifiers: MedGen CN230736.
Neurogenic scapuloperoneal syndrome, Kaeser type (SCPNK). Also called: KAESER SYNDROME. Identifiers: Orphanet 85146, MedGen C1867005, MONDO:0008407, OMIM 181400.

Allele frequency attached by ClinVar (database versions not stated): ESP Exome Variant Server 0.00008; TOPMed 0.00015; gnomAD 0.00016.
gnomAD v4.1: 49 of 1,614,082 alleles (0.003%); highest among the groups gnomAD compares: African/African-American, 0.051%; no homozygotes.

Submissions (14):

Genetic Diseases Diagnostic Center, Koc University Hospital
Classification: VUS-high for Dilated cardiomyopathy 1I. Last evaluated: 2026-02-20. Review status: criteria provided, single submitter. Criteria: ACMG Guidelines, 2015. Collection method: clinical testing. Allele origin: germline. Inheritance: Autosomal dominant inheritance. Affected: yes.
Comment: The c.643G>A (p.Val215Met, rs144908941) variant in DES results in the substitution of a conserved valine by methionine at codon 215 of desmin. This is a non-synonymous (missense) change within the coding sequence of DES and alters the amino acid sequence of the desmin protein without introducing a premature stop codon or affecting canonical splice sites. No direct functional studies specific to this amino acid substitution are known from current evidence. According to current annotations, c.643G>A (p.Val215Met, rs144908941) in DES is a missense variant located in the coding region and has been observed in the general population with a gnomAD frequency of 0.003000%, with no homozygous individuals reported. Computational prediction tools provide the following scores for this variant: CADD=27.9 and REVEL=0.782. Overall, based on ACMG/AMP criteria, this variant has been classified as of uncertain significance with following ACMG criteria: PM2, PP2, PP3, BP6.

Labcorp Genetics (formerly Invitae), Labcorp
Classification: Uncertain significance for Desmin-related myofibrillar myopathy. Last evaluated: 2026-01-24. Review status: criteria provided, single submitter. Criteria: Invitae Variant Classification Sherloc (09022015). Collection method: clinical testing. Allele origin: germline.
Comment: This sequence change replaces valine, which is neutral and non-polar, with methionine, which is neutral and non-polar, at codon 215 of the DES protein (p.Val215Met). This variant is present in population databases (rs144908941, gnomAD 0.04%). This variant has not been reported in the literature in individuals affected with DES-related conditions. ClinVar contains an entry for this variant (Variation ID: 222542). Invitae Evidence Modeling of protein sequence and biophysical properties (such as structural, functional, and spatial information, amino acid conservation, physicochemical variation, residue mobility, and thermodynamic stability) has been performed for this missense variant. However, the output from this modeling did not meet the statistical confidence thresholds required to predict the impact of this variant on DES protein function. In summary, the available evidence is currently insufficient to determine the role of this variant in disease. Therefore, it has been classified as a Variant of Uncertain Significance.

Greenwood Genetic Center Diagnostic Laboratories, Greenwood Genetic Center
Classification: Uncertain significance. Last evaluated: 2025-12-26. Review status: criteria provided, single submitter. Criteria: ACMG Guidelines, 2015. Collection method: clinical testing. Allele origin: germline. Affected: yes.
Comment: PM2, PP3

PreventionGenetics, part of Exact Sciences
Classification: Uncertain significance for DES-related condition. Last evaluated: 2025-12-15. Review status: criteria provided, single submitter. Criteria: ACMG Guidelines, 2015. Collection method: clinical testing. Allele origin: germline.
Comment: The DES c.643G>A variant is predicted to result in the amino acid substitution p.Val215Met. To our knowledge, this variant has not been reported in the literature. This variant is reported in 0.044% of alleles in individuals of African descent in gnomAD. At this time, the clinical significance of this variant is uncertain due to the absence of conclusive functional and genetic evidence.

GeneDx
Classification: Uncertain significance. Last evaluated: 2025-11-19. Review status: criteria provided, single submitter. Criteria: GeneDx Variant Classification Process June 2021. Collection method: clinical testing. Allele origin: germline. Affected: yes.
Comment: Has not been previously published as pathogenic or benign to our knowledge; In silico analysis supports that this missense variant has a deleterious effect on protein structure/function; This variant is associated with the following publications: (PMID: 26807690, 30564623)

Ambry Genetics
Classification: Uncertain significance for Cardiovascular phenotype. Last evaluated: 2025-11-03. Review status: criteria provided, single submitter. Criteria: Ambry Variant Classification Scheme 2023. Collection method: clinical testing. Allele origin: germline.
Comment: The c.643G>A (p.V215M) alteration is located in exon 3 (coding exon 3) of the DES gene. This alteration results from a G to A substitution at nucleotide position 643, causing the valine (V) at amino acid position 215 to be replaced by a methionine (M). Based on data from gnomAD, the A allele has an overall frequency of 0.006% (16/282868) total alleles studied. The highest observed frequency was 0.044% (11/24970) of African alleles. Based on insufficient or conflicting evidence, the clinical significance of this alteration remains unclear.

Clinical Genomics Laboratory, Washington University in St. Louis
Classification: Uncertain significance for Desmin-related myofibrillar myopathy; Dilated cardiomyopathy 1I. Last evaluated: 2025-10-12. Review status: criteria provided, single submitter. Criteria: ACMG Guidelines, 2015. Collection method: clinical testing. Allele origin: germline.
Comment: The DES c.643G>A (p.Val215Met) variant, to our knowledge, has not been reported in the medical literature. This variant has been reported in the ClinVar database as a germline variant of uncertain significance by 10 submitters. This variant is only observed in 49/1,614,082 alleles in the general population (gnomAD v.4.1.0), indicating it is not a common variant. Computational predictors indicate that the variant is damaging, evidence that correlates with impact to DES function. Due to limited information, and based on ACMG/AMP guidelines for variant interpretation (Richards S et al., PMID: 25741868), the clinical significance of this variant is uncertain at this time.

Blueprint Genetics
Classification: Uncertain significance. Last evaluated: 2024-08-26. Review status: criteria provided, single submitter. Criteria: ACMG Guidelines, 2015. Collection method: clinical testing. Allele origin: germline.

Women's Health and Genetics/Laboratory Corporation of America, LabCorp
Classification: Likely benign. Last evaluated: 2023-08-08. Review status: criteria provided, single submitter. Criteria: LabCorp Variant Classification Summary - May 2015. Collection method: clinical testing. Allele origin: germline.

New York Genome Center
Classification: Uncertain significance for Dilated cardiomyopathy 1I. Last evaluated: 2021-12-10. Review status: criteria provided, single submitter. Criteria: NYGC Assertion Criteria 2020. Collection method: clinical testing. Allele origin: germline. Observed: 1 heterozygote.
Comment: The c.643G>A (p.Val215Met) variant identified in the DES gene substitutes a well conserved Valine for Methionine at amino acid 215/471 (exon 3/9).This variant is found with low frequency in gnomAD(v3.1.2)(22 heterozygotes, 0 homozygotes; allele frequency:1.45e-4) suggesting it is not a common benign variant in the populations represented in that database. In silico algorithms predict this variant to be Damaging (SIFT; score:0.028) and Pathogenic (REVEL; score:0.782) to the function of the canonical transcript. This variant is reported as a Variant of Uncertain Significance in ClinVar (VarID:222542), and to our current knowledge has not been reported in affected individuals in the literature. The p.Val215 residue is within Coil 1B domain of DES (UniProtKB:P17661). Given the lack of compelling evidence for its pathogenicity, the c.643G>A (p.Val215Met) variant identified in the DES gene is reported as a Variant of Uncertain Significance.

Fulgent Genetics
Classification: Uncertain significance for Neurogenic scapuloperoneal syndrome, Kaeser type; Desmin-related myofibrillar myopathy; Dilated cardiomyopathy 1I. Last evaluated: 2021-08-24. Review status: criteria provided, single submitter. Criteria: ACMG Guidelines, 2015. Collection method: clinical testing. Allele origin: unknown.

Athena Diagnostics
Classification: Uncertain significance. Last evaluated: 2020-01-28. Review status: criteria provided, single submitter. Criteria: Athena Diagnostics Criteria. Collection method: clinical testing. Allele origin: unknown.

Revvity Omics, Revvity
Classification: Uncertain significance. Last evaluated: 2019-08-23. Review status: criteria provided, single submitter. Criteria: ACMG Guidelines, 2015. Collection method: clinical testing. Allele origin: germline.

Eurofins Ntd Llc (ga)
Classification: Uncertain significance. Last evaluated: 2017-03-28. Review status: criteria provided, single submitter. Criteria: EGL Classification Definitions 2015. Collection method: clinical testing. Allele origin: germline. Observed: 2 variant alleles, 2 heterozygotes.

NM_001927.4(DES):c.643G>A (p.Val215Met)

Gene: DES (desmin; plus strand). Cytogenetic location: 2q35.
Variant type: single nucleotide variant.
Coding change: c.643G>A on transcript NM_001927.4 (MANE Select); coding-DNA position 643, G replaced by A.
Protein change: p.Val215Met; replaces valine 215 with methionine.
Molecular consequence: missense variant.
Genome position (GRCh38, 1-based): chr2:219,420,254, G>A. VCF-style: chr2-219420254-G-A. GRCh37 (hg19) VCF-style: chr2-220284976-G-A.
Other names: c.643G>A (LRG_380t1); short protein forms V215M.
Identifiers: ClinVar variation 222542 (VCV000222542.36), dbSNP rs144908941, ClinGen allele CA078107.